The following is an entry in ClinVar:

ClinVar aggregate classification (germline): Uncertain significance. Review status: criteria provided, multiple submitters, no conflicts (2 of 4 stars). 2 submissions from 2 submitters: Uncertain significance (2). Last evaluated 2025-12-16.

Conditions:
Familial cold autoinflammatory syndrome 2 (FCAS2). Identifiers: Orphanet 247868, MedGen C2673198, MONDO:0012724, OMIM 611762.
Periodic fever syndrome. Identifiers: Orphanet 101995, MedGen C3889979, MONDO:0015137.

Allele frequency attached by ClinVar (database versions not stated): TOPMed 0.00002; gnomAD 0.00006.

Submissions (2):

Labcorp Genetics (formerly Invitae), Labcorp
Classification: Uncertain significance for Familial cold autoinflammatory syndrome 2. Last evaluated: 2025-12-16. Review status: criteria provided, single submitter. Criteria: Invitae Variant Classification Sherloc (09022015). Collection method: clinical testing. Allele origin: germline.
Comment: This sequence change replaces arginine, which is basic and polar, with tryptophan, which is neutral and slightly polar, at codon 343 of the NLRP12 protein (p.Arg343Trp). This variant is present in population databases (rs112159191, gnomAD 0.01%). This variant has not been reported in the literature in individuals affected with NLRP12-related conditions. ClinVar contains an entry for this variant (Variation ID: 440985). Invitae Evidence Modeling of protein sequence and biophysical properties (such as structural, functional, and spatial information, amino acid conservation, physicochemical variation, residue mobility, and thermodynamic stability) indicates that this missense variant is expected to disrupt NLRP12 protein function with a positive predictive value of 80%. In summary, the available evidence is currently insufficient to determine the role of this variant in disease. Therefore, it has been classified as a Variant of Uncertain Significance.

Breakthrough Genomics
Classification: Uncertain significance. Review status: criteria provided, single submitter. Criteria: ACMG Guidelines, 2015. Collection method: not provided. Allele origin: germline. Inheritance: Autosomal dominant inheritance. Affected: yes.

NM_144687.4(NLRP12):c.1027C>T (p.Arg343Trp)

Gene: NLRP12 (NLR family pyrin domain containing 12; minus strand). Cytogenetic location: 19q13.42.
Variant type: single nucleotide variant.
Coding change: c.1027C>T on transcript NM_144687.4 (MANE Select); coding-DNA position 1027, C replaced by T.
Protein change: p.Arg343Trp; replaces arginine 343 with tryptophan.
Molecular consequence: missense variant.
Genome position (GRCh38, 1-based): chr19:53,810,632, G>A on the plus strand (C>T on the coding strand, the complement: NLRP12 is on the minus strand). VCF-style: chr19-53810632-G-A. GRCh37 (hg19) VCF-style: chr19-54313886-G-A.
Other names: c.1027C>T, p.Arg343Trp (NM_001277126.2, NM_001277129.1); short protein forms R343W.
Identifiers: ClinVar variation 440985 (VCV000440985.9), dbSNP rs112159191, ClinGen allele CA9639538.